The following is an entry in ClinVar:

ClinVar aggregate classification (germline): Uncertain significance (1 of 4 stars; one submission).

Submission:

Women's Health and Genetics/Laboratory Corporation of America, LabCorp
Classification: Uncertain significance. Last evaluated: 2025-03-19. Review status: criteria provided, single submitter. Criteria: LabCorp Variant Classification Summary - May 2015. Collection method: clinical testing. Allele origin: germline.
Comment: Variant summary: ACY1 c.1062+2T>C is located in a canonical splice-site and is predicted to affect mRNA splicing resulting in a significantly altered protein due to either exon skipping, shortening, or inclusion of intronic material. Variants that disrupt the consensus splice site are a relatively common cause of aberrant splicing and loss of ACY1 function. However, this variant disrupts a last intron donor canonical splice site without any evidence that downstream disruption is pathogenic in publicly available or internal databases. Several computational tools predict a significant impact on normal splicing: Four predict the variant abolishes a 5' splicing donor site. However, these predictions have yet to be confirmed by functional studies. The variant was absent in 251456 control chromosomes. The available data on variant occurrences in the general population are insufficient to allow any conclusion about variant significance. To our knowledge, no occurrence of c.1062+2T>C in individuals affected with Aminoacylase 1 Deficiency and no experimental evidence demonstrating its impact on protein function have been reported. No submitters have cited clinical-significance assessments for this variant to ClinVar. Based on the evidence outlined above, the variant was classified as uncertain significance.

NM_000666.3(ACY1):c.1062+2T>C

Genes: ABHD14A-ACY1 (ABHD14A-ACY1 readthrough; plus strand), ACY1 (aminoacylase 1; plus strand). Cytogenetic location: 3p21.2.
Variant type: single nucleotide variant.
Coding change: c.1062+2T>C on transcript NM_000666.3 (MANE Select); the canonical splice donor site of the intron after coding-DNA position 1062, T replaced by C.
Molecular consequence: splice donor variant.
Genome position (GRCh38, 1-based): chr3:51,988,828, T>C. VCF-style: chr3-51988828-T-C. GRCh37 (hg19) VCF-style: chr3-52022844-T-C.
Other names: c.1332+2T>C (NM_001316331.2); c.867+2T>C (NM_001198897.2); c.846+2T>C (NM_001198896.2); c.957+2T>C (NM_001198898.2); c.1062+2T>C (NM_001198895.2).
Identifiers: ClinVar variation 3896102 (VCV003896102.1).